The following is an entry in ClinVar:

NM_000035.4(ALDOB):c.380-2A>G

Gene: ALDOB (aldolase, fructose-bisphosphate B; minus strand). Cytogenetic location: 9q31.1.
Variant type: single nucleotide variant.
Coding change: c.380-2A>G on transcript NM_000035.4 (MANE Select); the canonical splice acceptor site of the intron before coding-DNA position 380, A replaced by G.
Molecular consequence: splice acceptor variant.
Genome position (GRCh38, 1-based): chr9:101,427,644, T>C on the plus strand (A>G on the coding strand, the complement: ALDOB is on the minus strand). VCF-style: chr9-101427644-T-C. GRCh37 (hg19) VCF-style: chr9-104189926-T-C.
Identifiers: ClinVar variation 556271 (VCV000556271.13), dbSNP rs1300461861, ClinGen allele CA374265489.

ClinVar aggregate classification (germline): Pathogenic/Likely pathogenic. Review status: criteria provided, multiple submitters, no conflicts (2 of 4 stars). 3 submissions from 3 submitters: Pathogenic (1); Likely pathogenic (1). 1 of the submissions does not count toward it. Last evaluated 2025-11-06.

Conditions:
Hereditary fructosuria. Also called: Hereditary fructose intolerance; ALDOB DEFICIENCY; ALDOLASE B DEFICIENCY; FRUCTOSE-1,6-BISPHOSPHATE ALDOLASE B DEFICIENCY; FRUCTOSE-1-PHOSPHATE ALDOLASE DEFICIENCY; FRUCTOSEMIA. Identifiers: Orphanet 469, MedGen C0016751, MONDO:0009249, OMIM 229600, HP:0005973. Disease mechanism: loss of function.

Allele frequency attached by ClinVar (database versions not stated): TOPMed below 0.00001.

Submissions (3):

Natera, Inc.
Classification: Pathogenic for Fructose intolerance. Last evaluated: 2025-11-06. Review status: criteria provided, single submitter. Criteria: Natera Variant Classification Schema (03/2026). Collection method: clinical testing. Allele origin: germline.
Comment: The c.380-2A>G variant in ALDOB is a canonical splice acceptor site variant predicted to affect pre-mRNA splicing, which may result in an abnormal transcript and altered protein product. This variant is expected to result in nonsense mediated decay, truncation, or a dysfunctional protein product. This variant is rare in the general population with a frequency below the threshold expected for the associated phenotype(s). Another variant at this same site results in an alteration predicted to cause a similar molecular effect has been observed in individual(s) with the associated phenotype. Given the available evidence, this variant is classified as Pathogenic.

Labcorp Genetics (formerly Invitae), Labcorp
Classification: Likely pathogenic for Hereditary fructosuria. Last evaluated: 2021-03-13. Review status: criteria provided, single submitter. Criteria: Invitae Variant Classification Sherloc (09022015). Collection method: clinical testing. Allele origin: germline.
Comment: Donor and acceptor splice site variants typically lead to a loss of protein function (PMID: 16199547), and loss-of-function variants in ALDOB are known to be pathogenic (PMID: 18541450). Algorithms developed to predict the effect of sequence changes on RNA splicing suggest that this variant may disrupt the consensus splice site, but this prediction has not been confirmed by published transcriptional studies. In summary, the currently available evidence indicates that the variant is pathogenic, but additional data are needed to prove that conclusively. Therefore, this variant has been classified as Likely Pathogenic. This sequence change affects an acceptor splice site in intron 4 of the ALDOB gene. It is expected to disrupt RNA splicing and likely results in an absent or disrupted protein product. This variant has not been reported in the literature in individuals with ALDOB-related conditions. ClinVar contains an entry for this variant (Variation ID: 556271). This variant is not present in population databases (ExAC no frequency).

Counsyl
Classification: Likely pathogenic for Hereditary fructosuria. Last evaluated: 2018-01-26. Review status: no assertion criteria provided. Collection method: clinical testing. Allele origin: unknown. Not counted in ClinVar's aggregate classification.

Literature cited by the submitters: PubMed 16199547 (cited by Labcorp Genetics (formerly Invitae), Labcorp); PubMed 18541450 (cited by Labcorp Genetics (formerly Invitae), Labcorp).